The following is an entry in ClinVar:

NM_152703.5(SAMD9L):c.834T>A (p.Asn278Lys)

Gene: SAMD9L (sterile alpha motif domain containing 9 like; minus strand). Cytogenetic location: 7q21.2.
Variant type: single nucleotide variant.
Coding change: c.834T>A on transcript NM_152703.5 (MANE Select); coding-DNA position 834, T replaced by A.
Protein change: p.Asn278Lys; replaces asparagine 278 with lysine.
Molecular consequence: missense variant.
Genome position (GRCh38, 1-based): chr7:93,135,138, A>T on the plus strand (T>A on the coding strand, the complement: SAMD9L is on the minus strand). VCF-style: chr7-93135138-A-T. GRCh37 (hg19) VCF-style: chr7-92764451-A-T.
Other names: c.834T>A, p.Asn278Lys (NM_001303496.3, NM_001303497.3, NM_001303498.3 and 5 more transcripts); short protein forms N278K.
Identifiers: ClinVar variation 2117214 (VCV002117214.4), dbSNP rs2535433733, ClinGen allele CA368200501.

ClinVar aggregate classification (germline): Uncertain significance (1 of 4 stars; one submission).

Submission:

Labcorp Genetics (formerly Invitae), Labcorp
Classification: Uncertain significance. Last evaluated: 2024-03-03. Review status: criteria provided, single submitter. Criteria: Invitae Variant Classification Sherloc (09022015). Collection method: clinical testing. Allele origin: germline.
Comment: This sequence change replaces asparagine, which is neutral and polar, with lysine, which is basic and polar, at codon 278 of the SAMD9L protein (p.Asn278Lys). This variant is not present in population databases (gnomAD no frequency). This variant has not been reported in the literature in individuals affected with SAMD9L-related conditions. ClinVar contains an entry for this variant (Variation ID: 2117214). Algorithms developed to predict the effect of missense changes on protein structure and function output the following: SIFT: "Not Available"; PolyPhen-2: "Benign"; Align-GVGD: "Not Available". The lysine amino acid residue is found in multiple mammalian species, which suggests that this missense change does not adversely affect protein function. In summary, the available evidence is currently insufficient to determine the role of this variant in disease. Therefore, it has been classified as a Variant of Uncertain Significance.